The following is an entry in ClinVar:

NM_000264.5(PTCH1):c.1366A>T (p.Thr456Ser)

Gene: PTCH1 (patched 1; minus strand). Cytogenetic location: 9q22.32.
Variant type: single nucleotide variant.
Coding change: c.1366A>T on transcript NM_000264.5 (MANE Select); coding-DNA position 1366, A replaced by T.
Protein change: p.Thr456Ser; replaces threonine 456 with serine.
Molecular consequence: missense variant. On other transcripts: non-coding transcript variant (1), intron variant (1).
Genome position (GRCh38, 1-based): chr9:95,477,684, T>A on the plus strand (A>T on the coding strand, the complement: PTCH1 is on the minus strand). VCF-style: chr9-95477684-T-A. GRCh37 (hg19) VCF-style: chr9-98239966-T-A.
Other names: c.1168A>T, p.Thr390Ser (NM_001083602.3); c.1363A>T, p.Thr455Ser (NM_001083603.3); c.913A>T, p.Thr305Ser (NM_001083604.3, NM_001083605.3, NM_001083606.3 and 1 more transcripts); c.1347+371A>T (NM_001354918.2); short protein forms T390S, T455S, T456S, T305S.
Identifiers: ClinVar variation 4675699 (VCV004675699.1).

ClinVar aggregate classification (germline): Uncertain significance (1 of 4 stars; one submission).

Conditions:
Hereditary cancer-predisposing syndrome. Also called: Neoplastic Syndromes, Hereditary; Tumor predisposition; Hereditary Cancer Syndrome; Hereditary neoplastic syndrome. Identifiers: Orphanet 140162, MedGen C0027672, MeSH D009386, MONDO:0015356.

Submission:

Ambry Genetics
Classification: Uncertain significance for Hereditary cancer-predisposing syndrome. Last evaluated: 2025-10-21. Review status: criteria provided, single submitter. Criteria: Ambry Variant Classification Scheme 2023. Collection method: clinical testing. Allele origin: germline.
Comment: The p.T456S variant (also known as c.1366A>T), located in coding exon 10 of the PTCH1 gene, results from an A to T substitution at nucleotide position 1366. The threonine at codon 456 is replaced by serine, an amino acid with similar properties. This amino acid position is conserved. In addition, the in silico prediction for this alteration is inconclusive. Based on the available evidence, the clinical significance of this variant remains unclear.